The following is an entry in ClinVar:

NM_000836.4(GRIN2D):c.3383G>T (p.Gly1128Val)

Gene: GRIN2D (glutamate ionotropic receptor NMDA type subunit 2D; plus strand). Cytogenetic location: 19q13.33.
Variant type: single nucleotide variant.
Coding change: c.3383G>T on transcript NM_000836.4 (MANE Select); coding-DNA position 3383, G replaced by T.
Protein change: p.Gly1128Val; replaces glycine 1128 with valine.
Molecular consequence: missense variant.
Genome position (GRCh38, 1-based): chr19:48,443,309, G>T. VCF-style: chr19-48443309-G-T. GRCh37 (hg19) VCF-style: chr19-48946566-G-T.
Other names: short protein forms G1128V.
Identifiers: ClinVar variation 1393830 (VCV001393830.6), dbSNP rs1010248277, ClinGen allele CA309299249.

ClinVar aggregate classification (germline): Uncertain significance (1 of 4 stars; one submission).

Submission:

Labcorp Genetics (formerly Invitae), Labcorp
Classification: Uncertain significance. Last evaluated: 2022-03-18. Review status: criteria provided, single submitter. Criteria: Invitae Variant Classification Sherloc (09022015). Collection method: clinical testing. Allele origin: germline.
Comment: This sequence change replaces glycine, which is neutral and non-polar, with valine, which is neutral and non-polar, at codon 1128 of the GRIN2D protein (p.Gly1128Val). This variant is not present in population databases (gnomAD no frequency). This variant has not been reported in the literature in individuals affected with GRIN2D-related conditions. Advanced modeling of protein sequence and biophysical properties (such as structural, functional, and spatial information, amino acid conservation, physicochemical variation, residue mobility, and thermodynamic stability) performed at Invitae indicates that this missense variant is not expected to disrupt GRIN2D protein function. In summary, the available evidence is currently insufficient to determine the role of this variant in disease. Therefore, it has been classified as a Variant of Uncertain Significance.